The following is an entry in ClinVar:

NM_000138.5(FBN1):c.2666T>C (p.Leu889Pro)

Gene: FBN1 (fibrillin 1; minus strand). Cytogenetic location: 15q21.1.
Variant type: single nucleotide variant.
Coding change: c.2666T>C on transcript NM_000138.5 (MANE Select); coding-DNA position 2666, T replaced by C.
Protein change: p.Leu889Pro; replaces leucine 889 with proline.
Molecular consequence: missense variant.
Genome position (GRCh38, 1-based): chr15:48,495,134, A>G on the plus strand (T>C on the coding strand, the complement: FBN1 is on the minus strand). VCF-style: chr15-48495134-A-G. GRCh37 (hg19) VCF-style: chr15-48787331-A-G.
Other names: short protein forms L889P.
Identifiers: ClinVar variation 920896 (VCV000920896.6), dbSNP rs1393818056, ClinGen allele CA392331963.

ClinVar aggregate classification (germline): Conflicting classifications of pathogenicity. Review status: criteria provided, conflicting classifications (1 of 4 stars). 2 submissions from 2 submitters: Uncertain significance (1); Likely benign (1). Last evaluated 2024-09-12.

Conditions:
Familial thoracic aortic aneurysm and aortic dissection (TAAD). Also called: Thoracic aortic aneurysms and dissections. Identifiers: Orphanet 91387, MedGen C4707243, MONDO:0019625.
Marfan syndrome (MFS). Also called: Marfan syndrome, classic; Marfan syndrome type 1; Marfan's syndrome; FBN1-Related Marfan Syndrome; MARFAN SYNDROME, TYPE I. Identifiers: Orphanet 284963, Orphanet 558, MedGen C0024796, MONDO:0007947, OMIM 154700.

Submissions (2):

Color Diagnostics, LLC DBA Color Health
Classification: Likely benign for Familial thoracic aortic aneurysm and aortic dissection. Last evaluated: 2024-09-12. Review status: criteria provided, single submitter. Criteria: ACMG Guidelines, 2015. Collection method: clinical testing. Allele origin: germline.

Labcorp Genetics (formerly Invitae), Labcorp
Classification: Uncertain significance for Marfan syndrome; Familial thoracic aortic aneurysm and aortic dissection. Last evaluated: 2022-11-19. Review status: criteria provided, single submitter. Criteria: Invitae Variant Classification Sherloc (09022015). Collection method: clinical testing. Allele origin: germline.
Comment: ClinVar contains an entry for this variant (Variation ID: 920896). This variant has not been reported in the literature in individuals affected with FBN1-related conditions. This variant is not present in population databases (gnomAD no frequency). This sequence change replaces leucine, which is neutral and non-polar, with proline, which is neutral and non-polar, at codon 889 of the FBN1 protein (p.Leu889Pro). In summary, the available evidence is currently insufficient to determine the role of this variant in disease. Therefore, it has been classified as a Variant of Uncertain Significance. Advanced modeling of protein sequence and biophysical properties (such as structural, functional, and spatial information, amino acid conservation, physicochemical variation, residue mobility, and thermodynamic stability) performed at Invitae indicates that this missense variant is not expected to disrupt FBN1 protein function.